The following is an entry in ClinVar:

NM_022765.4(MICAL1):c.1735G>A (p.Glu579Lys)

Gene: MICAL1 (microtubule associated monooxygenase, calponin and LIM domain containing 1; minus strand). Cytogenetic location: 6q21.
Variant type: single nucleotide variant.
Coding change: c.1735G>A on transcript NM_022765.4 (MANE Select); coding-DNA position 1735, G replaced by A.
Protein change: p.Glu579Lys; replaces glutamic acid 579 with lysine.
Molecular consequence: missense variant.
Genome position (GRCh38, 1-based): chr6:109,448,323, C>T on the plus strand (G>A on the coding strand, the complement: MICAL1 is on the minus strand). VCF-style: chr6-109448323-C-T. GRCh37 (hg19) VCF-style: chr6-109769526-C-T.
Other names: c.1477G>A, p.Glu493Lys (NM_001159291.2); c.1792G>A, p.Glu598Lys (NM_001286613.2); short protein forms E493K, E579K, E598K.
Identifiers: ClinVar variation 1963008 (VCV001963008.5), dbSNP rs1416839765, ClinGen allele CA365227508.

ClinVar aggregate classification (germline): Uncertain significance (1 of 4 stars; one submission).

Allele frequency attached by ClinVar (database versions not stated): gnomAD exomes below 0.00001.
gnomAD v4.1: 2 of 1,614,078 alleles (0.00012%); highest among the groups gnomAD compares: Non-Finnish European, 0.000085%; no homozygotes.

Submission:

Labcorp Genetics (formerly Invitae), Labcorp
Classification: Uncertain significance. Last evaluated: 2022-06-22. Review status: criteria provided, single submitter. Criteria: Invitae Variant Classification Sherloc (09022015). Collection method: clinical testing. Allele origin: germline.
Comment: In summary, the available evidence is currently insufficient to determine the role of this variant in disease. Therefore, it has been classified as a Variant of Uncertain Significance. This sequence change replaces glutamic acid, which is acidic and polar, with lysine, which is basic and polar, at codon 598 of the MICAL1 protein (p.Glu598Lys). This variant is present in population databases (no rsID available, gnomAD 0.0009%). This variant has not been reported in the literature in individuals affected with MICAL1-related conditions. Algorithms developed to predict the effect of missense changes on protein structure and function are either unavailable or do not agree on the potential impact of this missense change (SIFT: "Deleterious"; PolyPhen-2: "Possibly Damaging"; Align-GVGD: "Class C0").